The following is an entry in ClinVar:

NM_015378.4(VPS13D):c.5477G>A (p.Trp1826Ter)

Gene: VPS13D (vacuolar protein sorting 13 homolog D; plus strand). Cytogenetic location: 1p36.22.
Variant type: single nucleotide variant.
Coding change: c.5477G>A on transcript NM_015378.4 (MANE Select); coding-DNA position 5477, G replaced by A.
Protein change: p.Trp1826Ter; replaces tryptophan 1826 with a stop codon.
Molecular consequence: nonsense.
Genome position (GRCh38, 1-based): chr1:12,283,579, G>A. VCF-style: chr1-12283579-G-A. GRCh37 (hg19) VCF-style: chr1-12343636-G-A.
Other names: p.Trp1826*; c.5477G>A, p.Trp1826Ter (NM_018156.4); short protein forms W1826*.
Identifiers: ClinVar variation 4540693 (VCV004540693.1).
Genomic context (GRCh38, chr1:12,283,579, plus strand): 5'-TTAACCGGAGCATTGATGTTGATTTTAATTGCTTGGATGTGCTGATCACACTGCAAACCT[G>A]GGTTGTGATATTAGACTTTTTTGGAATCGGCTCCACTGCAGACAACCACGCAATGAGGCT-3'

ClinVar aggregate classification (germline): Likely pathogenic (1 of 4 stars; one submission).

Submission:

Mayo Clinic Laboratories, Mayo Clinic
Classification: Likely pathogenic. Last evaluated: 2025-09-11. Review status: criteria provided, single submitter. Criteria: ACMG Guidelines, 2015. Collection method: clinical testing. Allele origin: germline. Observed: 1 variant allele.
Comment: PM2_supporting, PVS1